The following is an entry in ClinVar:

ClinVar aggregate classification (germline): Benign/Likely benign. Review status: criteria provided, multiple submitters, no conflicts (2 of 4 stars). 5 submissions from 5 submitters: Benign (3); Likely benign (2). Last evaluated 2026-01-25.

Conditions:
Congenital muscular dystrophy due to integrin alpha-7 deficiency. Also called: Congenital muscular dystrophy with integrin alpha-7 deficiency; Muscular dystrophy, congenital, due to ITGA7 deficiency; MYOPATHY, CONGENITAL, DUE TO INTEGRIN ALPHA-7 DEFICIENCY. Identifiers: Orphanet 34520, MedGen C2750786, MONDO:0013177, OMIM 613204.

Allele frequency attached by ClinVar (database versions not stated): gnomAD exomes 0.00063 and 0.00298; gnomAD 0.00071 and 0.00082; TOPMed 0.00156; 1000 Genomes Project 0.00260; 1000 Genomes Project 30x 0.00265; ExAC 0.00460.
gnomAD v4.1: 1,062 of 1,586,216 alleles (0.067%); highest among the groups gnomAD compares: Admixed American, 1%; 12 homozygotes.

Submissions (5):

Labcorp Genetics (formerly Invitae), Labcorp
Classification: Benign for Congenital muscular dystrophy due to integrin alpha-7 deficiency. Last evaluated: 2026-01-25. Review status: criteria provided, single submitter. Criteria: Invitae Variant Classification Sherloc (09022015). Collection method: clinical testing. Allele origin: germline.

CeGaT Center for Human Genetics Tuebingen
Classification: Benign. Last evaluated: 2023-09-01. Review status: criteria provided, single submitter. Criteria: CeGaT Center For Human Genetics Tuebingen Variant Classification Criteria Version 2. Collection method: clinical testing. Allele origin: germline. Affected: yes. Observed: 1 variant allele.
Comment: ITGA7: BS1, BS2

GeneDx
Classification: Likely benign. Last evaluated: 2016-06-22. Review status: criteria provided, single submitter. Criteria: GeneDx Variant Classification (06012015). Collection method: clinical testing. Allele origin: germline. Affected: yes.
Comment: This variant is considered likely benign or benign based on one or more of the following criteria: it is a conservative change, it occurs at a poorly conserved position in the protein, it is predicted to be benign by multiple in silico algorithms, and/or has population frequency not consistent with disease.

Eurofins Ntd Llc (ga)
Classification: Benign. Last evaluated: 2015-10-26. Review status: criteria provided, single submitter. Criteria: EGL Classification Definitions 2015. Collection method: clinical testing. Allele origin: germline. Observed: 1 variant allele, 1 heterozygote.

Breakthrough Genomics
Classification: Likely benign. Review status: criteria provided, single submitter. Criteria: ACMG Guidelines, 2015. Collection method: not provided. Allele origin: germline. Inheritance: Autosomal recessive inheritance. Affected: yes.

NM_002206.3(ITGA7):c.1828G>A (p.Gly610Arg)

Gene: ITGA7 (integrin subunit alpha 7; minus strand). Cytogenetic location: 12q13.2.
Variant type: single nucleotide variant.
Coding change: c.1828G>A on transcript NM_002206.3 (MANE Select); coding-DNA position 1828, G replaced by A.
Protein change: p.Gly610Arg; replaces glycine 610 with arginine.
Molecular consequence: missense variant.
Genome position (GRCh38, 1-based): chr12:55,696,342, C>T on the plus strand (G>A on the coding strand, the complement: ITGA7 is on the minus strand). VCF-style: chr12-55696342-C-T. GRCh37 (hg19) VCF-style: chr12-56090126-C-T.
Other names: c.1840G>A, p.Gly614Arg (NM_001144996.2); c.1549G>A, p.Gly517Arg (NM_001144997.2); c.1501G>A, p.Gly501Arg (NM_001367993.1); c.484G>A, p.Gly162Arg (NM_001367994.1); c.1810G>A, p.Gly604Arg (NM_001374465.1); c.1960G>A, p.Gly654Arg (NM_001410977.1); c.1822G>A, p.Gly608Arg (NM_001414029.1); c.1753G>A, p.Gly585Arg (NM_001414030.1); and 5 more; short protein forms G610R, G517R, G162R, G501R, G614R, G604R, G654R, G549R.
Identifiers: ClinVar variation 284004 (VCV000284004.40), dbSNP rs150583010, ClinGen allele CA6615820.
Genomic context (GRCh38, chr12:55,696,342, plus strand): 5'-CCTCTGCCCGCTGGGTGCTGGGCTGGTGGGCATTGAGGATGGGGGCCACTGGAGGCAGCC[C>T]CTGGCCAGGAGCCTGTCGCCGGAGCCGAGGGGTCTGGAGACTGTAGGACAAGGTCACTAC-3'
Protein context (NP_002197.2, residues 600-620): PRLRRQAPGQ[Gly610Arg]LPPVAPILNA